The following is an entry in ClinVar:

NM_001035.3(RYR2):c.309G>A (p.Lys103=)

Gene: RYR2 (ryanodine receptor 2; plus strand). Cytogenetic location: 1q43.
Variant type: single nucleotide variant.
Coding change: c.309G>A on transcript NM_001035.3 (MANE Select); coding-DNA position 309, G replaced by A.
Protein change: p.Lys103=; no amino-acid change (lysine 103 retained).
Molecular consequence: synonymous variant.
Genome position (GRCh38, 1-based): chr1:237,364,372, G>A. VCF-style: chr1-237364372-G-A. GRCh37 (hg19) VCF-style: chr1-237527672-G-A.
Other names: c.309G>A (NM_001035.2).
Identifiers: ClinVar variation 1172458 (VCV001172458.19), dbSNP rs532274202, ClinGen allele CA086302.

ClinVar aggregate classification (germline): Uncertain significance. Review status: criteria provided, multiple submitters, no conflicts (2 of 4 stars). 7 submissions from 7 submitters: Uncertain significance (7). Last evaluated 2026-06-09.

Conditions:
Cardiovascular phenotype. Identifiers: MedGen CN230736.
RYR2-related disorder. Also called: RYR2-related condition.
Catecholaminergic polymorphic ventricular tachycardia (CVPT). Also called: Catecholamine-induced polymorphic ventricular tachycardia. Identifiers: Orphanet 3286, MedGen C5574922, MONDO:0017990.
Cardiomyopathy (CMYO). Also called: Cardiomyopathies. Identifiers: Orphanet 167848, MedGen C0878544, MONDO:0004994, HP:0001638. Inheritance: Various modes of inheritance.
Catecholaminergic polymorphic ventricular tachycardia 1. Also called: VENTRICULAR TACHYCARDIA, STRESS-INDUCED POLYMORPHIC 1; RYR2-Related Catecholaminergic Polymorphic Ventricular Tachycardia; VENTRICULAR TACHYCARDIA, CATECHOLAMINERGIC POLYMORPHIC, 1, WITH OR WITHOUT ATRIAL DYSFUNCTION AND/OR DILATED CARDIOMYOPATHY. Identifiers: Orphanet 3286, MedGen C1631597, MONDO:0011484, OMIM 604772.

Allele frequency attached by ClinVar (database versions not stated): gnomAD exomes below 0.00001; ExAC 0.00002; gnomAD 0.00004; 1000 Genomes Project 30x 0.00016; 1000 Genomes Project 0.00020.
gnomAD v4.1: 14 of 1,549,744 alleles (0.0009%); highest among the groups gnomAD compares: African/African-American, 0.012%; no homozygotes.

Submissions (7):

GeneDx
Classification: Uncertain significance. Last evaluated: 2026-06-09. Review status: criteria provided, single submitter. Criteria: GeneDx Variant Classification Process June 2021. Collection method: clinical testing. Allele origin: germline.
Comment: Not observed at significant frequency in large population cohorts (gnomAD); Has not been previously published as pathogenic or benign to our knowledge; In silico analysis supports a deleterious effect on splicing

Dasa
Classification: Uncertain significance. Last evaluated: 2026-01-14. Review status: criteria provided, single submitter. Criteria: DASA Assertion Criteria. Collection method: clinical testing. Allele origin: germline.
Comment: NM_001035.3(RYR2):c.309G>A (p.Lys103=) is a synonymous variant predicted not to alter the encoded amino acid sequence. This variant is rare in population databases. Computational prediction algorithms are consistent with a deleterious effect. The currently available literature and clinical evidence are not sufficient to establish a definitive association between this variant and the reported condition. Therefore, this variant is classified as a variant of uncertain significance.

Labcorp Genetics (formerly Invitae), Labcorp
Classification: Uncertain significance for Catecholaminergic polymorphic ventricular tachycardia 1. Last evaluated: 2025-12-23. Review status: criteria provided, single submitter. Criteria: Invitae Variant Classification Sherloc (09022015). Collection method: clinical testing. Allele origin: germline.
Comment: This sequence change affects codon 103 of the RYR2 mRNA. It is a 'silent' change, meaning that it does not change the encoded amino acid sequence of the RYR2 protein. This variant also falls at the last nucleotide of exon 5, which is part of the consensus splice site for this exon. The frequency data for this variant in the population databases is considered unreliable, as metrics indicate poor data quality at this position in the gnomAD database. This variant has not been reported in the literature in individuals affected with RYR2-related conditions. ClinVar contains an entry for this variant (Variation ID: 1172458). Variants that disrupt the consensus splice site are a relatively common cause of aberrant splicing (PMID: 17576681, 9536098). Algorithms developed to predict the effect of sequence changes on RNA splicing suggest that this variant may disrupt the consensus splice site. In summary, the available evidence is currently insufficient to determine the role of this variant in disease. Therefore, it has been classified as a Variant of Uncertain Significance.

PreventionGenetics, part of Exact Sciences
Classification: Uncertain significance for RYR2-related condition. Last evaluated: 2025-07-15. Review status: criteria provided, single submitter. Criteria: ACMG Guidelines, 2015. Collection method: clinical testing. Allele origin: germline.
Comment: The RYR2 c.309G>A variant is not predicted to result in an amino acid change (p.=). This variant is predicted to alter splicing based on available splicing prediction programs (SpliceAI, Jaganathan et al. 2019. PubMed ID: 30661751). However, the use of computer prediction programs is not equivalent to functional evidence. To our knowledge, this variant has not been reported in the literature. This variant is reported in 0.0079% of alleles in individuals of African descent in gnomAD. At this time, the clinical significance of this variant is uncertain due to the absence of conclusive functional and genetic evidence.

All of Us Research Program, National Institutes of Health
Classification: Uncertain significance for Catecholaminergic polymorphic ventricular tachycardia. Last evaluated: 2024-06-09. Review status: criteria provided, single submitter. Criteria: ACMG Guidelines, 2015. Collection method: clinical testing. Allele origin: germline. Inheritance: Autosomal dominant inheritance. Observed: 4 variant alleles, 4 heterozygotes.
Comment: This synonymous variant does not change the amino acid sequence of the COL3A1 protein. However, splice prediction tools suggest that this variant may disrupt RNA splicing. To our knowledge, functional RNA studies have not been reported for this variant. This variant has not been reported in individuals affected with RYR2-related disorders in the literature. This variant has been identified in 1/209352 chromosomes in the general population by the Genome Aggregation Database (gnomAD). The available evidence is insufficient to determine the role of this variant in disease conclusively. Therefore, this variant is classified as a Variant of Uncertain Significance.

This study involves interpretation of variants in research participants for the purpose of population health screening. Participant phenotype was not available at the time of variant classification. Additional details can be found in publication PMID: 35346344, PMCID: PMC8962531

Color Diagnostics, LLC DBA Color Health
Classification: Uncertain significance for Cardiomyopathy. Last evaluated: 2024-05-30. Review status: criteria provided, single submitter. Criteria: ACMG Guidelines, 2015. Collection method: clinical testing. Allele origin: germline.
Comment: This synonymous variant does not change the amino acid sequence of the COL3A1 protein. However, splice prediction tools suggest that this variant may disrupt RNA splicing. To our knowledge, functional RNA studies have not been reported for this variant. This variant has not been reported in individuals affected with RYR2-related disorders in the literature. This variant has been identified in 1/209352 chromosomes in the general population by the Genome Aggregation Database (gnomAD). The available evidence is insufficient to determine the role of this variant in disease conclusively. Therefore, this variant is classified as a Variant of Uncertain Significance.

Ambry Genetics
Classification: Uncertain significance for Cardiovascular phenotype. Last evaluated: 2023-02-18. Review status: criteria provided, single submitter. Criteria: Ambry Variant Classification Scheme 2023. Collection method: clinical testing. Allele origin: germline.
Comment: The c.309G>A variant (also known as p.K103K), located in coding exon 5 of the RYR2 gene, results from a G to A substitution at nucleotide position 309. This nucleotide substitution does not change the lysine at codon 103. However, this change occurs in the last base pair of coding exon 5, which makes it likely to have some effect on normal mRNA splicing. This nucleotide position is highly conserved in available vertebrate species. In silico splice site analysis predicts that this alteration will weaken the native splice donor site. However, loss of function of RYR2 has not been established as a mechanism of disease. Since supporting evidence is limited at this time, the clinical significance of this alteration remains unclear.

Literature cited by the submitters: PubMed 17576681 (cited by Labcorp Genetics (formerly Invitae), Labcorp); PubMed 9536098 (cited by Labcorp Genetics (formerly Invitae), Labcorp).